The following is an entry in ClinVar:

NM_004130.4(GYG1):c.607G>A (p.Val203Met)

Gene: GYG1 (glycogenin 1; plus strand). Cytogenetic location: 3q24.
Variant type: single nucleotide variant.
Coding change: c.607G>A on transcript NM_004130.4 (MANE Select); coding-DNA position 607, G replaced by A.
Protein change: p.Val203Met; replaces valine 203 with methionine.
Molecular consequence: missense variant.
Genome position (GRCh38, 1-based): chr3:149,009,401, G>A. VCF-style: chr3-149009401-G-A. GRCh37 (hg19) VCF-style: chr3-148727188-G-A.
Other names: c.607G>A, p.Val203Met (NM_001184720.2, NM_001184721.2); short protein forms V203M.
Identifiers: ClinVar variation 1934847 (VCV001934847.4), dbSNP rs1179024050, ClinGen allele CA354905464.

ClinVar aggregate classification (germline): Uncertain significance (1 of 4 stars; one submission).

Conditions:
Glycogen storage disease XV (GSD15). Also called: GLYCOGENIN DEFICIENCY; GSD XV. Identifiers: Orphanet 263297, MedGen C3150754, MONDO:0013291, OMIM 613507.
Polyglucosan body myopathy type 2. Identifiers: Orphanet 456369, MedGen C4015452, MONDO:0014526, OMIM 616199.

Allele frequency attached by ClinVar (database versions not stated): gnomAD exomes 0.00001.

Submission:

Labcorp Genetics (formerly Invitae), Labcorp
Classification: Uncertain significance for Polyglucosan body myopathy type 2; Glycogen storage disease XV. Last evaluated: 2022-03-28. Review status: criteria provided, single submitter. Criteria: Invitae Variant Classification Sherloc (09022015). Collection method: clinical testing. Allele origin: germline.
Comment: This sequence change replaces valine, which is neutral and non-polar, with methionine, which is neutral and non-polar, at codon 203 of the GYG1 protein (p.Val203Met). This variant is present in population databases (no rsID available, gnomAD 0.01%). This variant has not been reported in the literature in individuals affected with GYG1-related conditions. Algorithms developed to predict the effect of missense changes on protein structure and function (SIFT, PolyPhen-2, Align-GVGD) all suggest that this variant is likely to be tolerated. In summary, the available evidence is currently insufficient to determine the role of this variant in disease. Therefore, it has been classified as a Variant of Uncertain Significance.